The following is an entry in ClinVar:

NM_032043.3(BRIP1):c.1406G>A (p.Ser469Asn)

Gene: BRIP1 (BRCA1 interacting DNA helicase 1; minus strand). Cytogenetic location: 17q23.2.
Variant type: single nucleotide variant.
Coding change: c.1406G>A on transcript NM_032043.3 (MANE Select); coding-DNA position 1406, G replaced by A.
Protein change: p.Ser469Asn; replaces serine 469 with asparagine.
Molecular consequence: missense variant.
Genome position (GRCh38, 1-based): chr17:61,793,664, C>T on the plus strand (G>A on the coding strand, the complement: BRIP1 is on the minus strand). VCF-style: chr17-61793664-C-T. GRCh37 (hg19) VCF-style: chr17-59871025-C-T.
Other names: short protein forms S469N.
Identifiers: ClinVar variation 1719452 (VCV001719452.5), dbSNP rs2145242139, ClinGen allele CA400482179.
Genomic context (GRCh38, chr17:61,793,664, plus strand): 5'-ATGGGAAAAGTAGCAGTGGTGATACCCATTTTGTGTAAAGTTAAGAGCATTTCATTTCCA[C>T]TCCATATTTTACAAGCTGATTCATAATCTCTTTCTACAAGATATTCAGCGTTTGCTTCTA-3'
Protein context (NP_114432.2, residues 459-479): RDYESACKIW[Ser469Asn]GNEMLLTLHK

ClinVar aggregate classification (germline): Uncertain significance (1 of 4 stars; one submission).

Conditions:
Familial cancer of breast. Also called: BREAST CANCER, FAMILIAL; Hereditary breast cancer; hereditary breast carcinoma. Identifiers: Orphanet 227535, MedGen C0346153, MONDO:0016419, OMIM 114480. Disease mechanism: loss of function.
Fanconi anemia complementation group J. Also called: BRIP1-Related Fanconi Anemia. Identifiers: Orphanet 84, MedGen C1836860, MONDO:0012187, OMIM 609054.

Submission:

Labcorp Genetics (formerly Invitae), Labcorp
Classification: Uncertain significance for Familial cancer of breast; Fanconi anemia complementation group J. Last evaluated: 2022-09-14. Review status: criteria provided, single submitter. Criteria: Invitae Variant Classification Sherloc (09022015). Collection method: clinical testing. Allele origin: germline.
Comment: In summary, the available evidence is currently insufficient to determine the role of this variant in disease. Therefore, it has been classified as a Variant of Uncertain Significance. Advanced modeling of protein sequence and biophysical properties (such as structural, functional, and spatial information, amino acid conservation, physicochemical variation, residue mobility, and thermodynamic stability) performed at Invitae indicates that this missense variant is not expected to disrupt BRIP1 protein function. This variant has not been reported in the literature in individuals affected with BRIP1-related conditions. This variant is not present in population databases (gnomAD no frequency). This sequence change replaces serine, which is neutral and polar, with asparagine, which is neutral and polar, at codon 469 of the BRIP1 protein (p.Ser469Asn).